The following is an entry in ClinVar:

ClinVar aggregate classification (germline): Uncertain significance (1 of 4 stars; one submission).

Conditions:
Gorlin syndrome. Also called: Nevoid Basal Cell Carcinoma Syndrome; Basal cell nevus syndrome. Identifiers: Orphanet 377, MedGen C0004779, MONDO:0007187.

Submission:

Labcorp Genetics (formerly Invitae), Labcorp
Classification: Uncertain significance for Gorlin syndrome. Last evaluated: 2023-04-24. Review status: criteria provided, single submitter. Criteria: Invitae Variant Classification Sherloc (09022015). Collection method: clinical testing. Allele origin: germline.
Comment: This variant is not present in population databases (gnomAD no frequency). This sequence change replaces arginine, which is basic and polar, with serine, which is neutral and polar, at codon 754 of the PTCH2 protein (p.Arg754Ser). This variant has not been reported in the literature in individuals affected with PTCH2-related conditions. In summary, the available evidence is currently insufficient to determine the role of this variant in disease. Therefore, it has been classified as a Variant of Uncertain Significance. Advanced modeling of protein sequence and biophysical properties (such as structural, functional, and spatial information, amino acid conservation, physicochemical variation, residue mobility, and thermodynamic stability) performed at Invitae indicates that this missense variant is not expected to disrupt PTCH2 protein function.

NM_003738.5(PTCH2):c.2260C>A (p.Arg754Ser)

Gene: PTCH2 (patched 2; minus strand). Cytogenetic location: 1p34.1.
Variant type: single nucleotide variant.
Coding change: c.2260C>A on transcript NM_003738.5 (MANE Select); coding-DNA position 2260, C replaced by A.
Protein change: p.Arg754Ser; replaces arginine 754 with serine.
Molecular consequence: missense variant.
Genome position (GRCh38, 1-based): chr1:44,827,513, G>T on the plus strand (C>A on the coding strand, the complement: PTCH2 is on the minus strand). VCF-style: chr1-44827513-G-T. GRCh37 (hg19) VCF-style: chr1-45293185-G-T.
Other names: c.2260C>A, p.Arg754Ser (NM_001166292.2); short protein forms R754S.
Identifiers: ClinVar variation 2988112 (VCV002988112.3), dbSNP rs779024571, ClinGen allele CA340096454.